The following is an entry in ClinVar:

ClinVar aggregate classification (germline): Benign (0 of 4 stars; one submission).

Conditions:
SCRIB-related disorder. Also called: SCRIB-related condition.

Allele frequency attached by ClinVar (database versions not stated): TOPMed 0.01866; ESP Exome Variant Server 0.01957; gnomAD 0.02558; 1000 Genomes Project 30x 0.03123; 1000 Genomes Project 0.03415; ExAC 0.04650.

Submission:

PreventionGenetics, part of Exact Sciences
Classification: Benign for SCRIB-related condition. Last evaluated: 2019-10-28. Review status: no assertion criteria provided. Collection method: clinical testing. Allele origin: germline.
Comment: This variant is classified as benign based on ACMG/AMP sequence variant interpretation guidelines (Richards et al. 2015 PMID: 25741868, with internal and published modifications).

NM_182706.5(SCRIB):c.4098C>T (p.Arg1366=)

Gene: SCRIB (scribble planar cell polarity protein; minus strand). Cytogenetic location: 8q24.3.
Variant type: single nucleotide variant.
Coding change: c.4098C>T on transcript NM_182706.5 (MANE Select); coding-DNA position 4098, C replaced by T.
Protein change: p.Arg1366=; no amino-acid change (arginine 1366 retained).
Molecular consequence: synonymous variant.
Genome position (GRCh38, 1-based): chr8:143,792,787, G>A on the plus strand (C>T on the coding strand, the complement: SCRIB is on the minus strand). VCF-style: chr8-143792787-G-A. GRCh37 (hg19) VCF-style: chr8-144874957-G-A.
Other names: c.4098C>T, p.Arg1366= (NM_015356.5).
Identifiers: ClinVar variation 3059816 (VCV003059816.2), dbSNP rs72693351, ClinGen allele CA4918362.